The following is an entry in ClinVar:

NM_000455.5(STK11):c.969_971del (p.Pro324del)

Gene: STK11 (serine/threonine kinase 11; plus strand). Cytogenetic location: 19p13.3.
Variant type: Deletion.
Coding change: c.969_971del on transcript NM_000455.5 (MANE Select); coding-DNA positions 969 to 971, 3 bases deleted (ACC; older notation c.969_971delACC).
Protein change: p.Pro324del; deletes proline 324.
Molecular consequence: inframe deletion.
Genome position (GRCh38, 1-based): chr19:1,223,033-1,223,035, ACC deleted; deleting any 3 consecutive bases within chr19:1,223,031-1,223,035 gives the same sequence; the c. name uses the placement nearest the transcript's 3' end. VCF-style (leftmost placement, unchanged base first): chr19-1223030-CCCA-C. GRCh37 (hg19) VCF-style: chr19-1223029-CCCA-C.
Other names: c.969_971delACC (NM_000455.4); short protein forms P324del.
Identifiers: ClinVar variation 233220 (VCV000233220.23), dbSNP rs876660268, ClinGen allele CA10581013.

ClinVar aggregate classification (germline): Uncertain significance. Review status: criteria provided, multiple submitters, no conflicts (2 of 4 stars). 7 submissions from 7 submitters: Uncertain significance (7). Last evaluated 2025-10-01.

Conditions:
Hereditary cancer-predisposing syndrome. Also called: Tumor predisposition; Hereditary Cancer Syndrome; Hereditary neoplastic syndrome; Neoplastic Syndromes, Hereditary. Identifiers: Orphanet 140162, MedGen C0027672, MeSH D009386, MONDO:0015356.
Melanoma, cutaneous malignant, susceptibility to, 1 (CMM1). Also called: B-K MOLE SYNDROME; MELANOMA, MALIGNANT; DYSPLASTIC NEVUS SYNDROME, HEREDITARY; FAMILIAL ATYPICAL MOLE-MALIGNANT MELANOMA SYNDROME. Identifiers: Orphanet 618, MedGen C1835047, MONDO:0007963, OMIM 155600.
Peutz-Jeghers syndrome (PJS). Also called: POLYPOSIS, HAMARTOMATOUS INTESTINAL; POLYPS-AND-SPOTS SYNDROME; Peutz-Jeghers polyposis; Periorificial lentiginosis syndrome. Identifiers: Orphanet 2869, MedGen C0031269, MeSH D010580, MONDO:0008280, OMIM 175200.

Submissions (7):

Labcorp Genetics (formerly Invitae), Labcorp
Classification: Uncertain significance for Peutz-Jeghers syndrome. Last evaluated: 2025-10-01. Review status: criteria provided, single submitter. Criteria: Invitae Variant Classification Sherloc (09022015). Collection method: clinical testing. Allele origin: germline.
Comment: This variant, c.969_971del, results in the deletion of 1 amino acid(s) of the STK11 protein (p.Pro324del), but otherwise preserves the integrity of the reading frame. This variant is not present in population databases (gnomAD no frequency). This variant has not been reported in the literature in individuals affected with STK11-related conditions. ClinVar contains an entry for this variant (Variation ID: 233220). Experimental studies and prediction algorithms are not available or were not evaluated, and the functional significance of this variant is currently unknown. In summary, the available evidence is currently insufficient to determine the role of this variant in disease. Therefore, it has been classified as a Variant of Uncertain Significance.

All of Us Research Program, National Institutes of Health
Classification: Uncertain significance for Peutz-Jeghers syndrome. Last evaluated: 2024-09-23. Review status: criteria provided, single submitter. Criteria: ACMG Guidelines, 2015. Collection method: clinical testing. Allele origin: germline. Inheritance: Autosomal dominant inheritance. Observed: 1 variant allele, 1 heterozygote.
Comment: This variant is a deletion of 3 nucleotides located in exon 8 of the STK11 gene, resulting in an in-frame deletion of one amino acid (proline) in the STK11 protein. To our knowledge, functional studies have not been reported for this variant. This variant has not been reported in individuals affected with hereditary cancer in the literature. This variant has not been identified in the general population by the Genome Aggregation Database (gnomAD). The available evidence is insufficient to determine the role of this variant in disease conclusively. Therefore, this variant is classified as a Variant of Uncertain Significance.

This study involves interpretation of variants in research participants for the purpose of population health screening. Participant phenotype was not available at the time of variant classification. Additional details can be found in publication PMID: 35346344, PMCID: PMC8962531

Ambry Genetics
Classification: Uncertain significance for Hereditary cancer-predisposing syndrome. Last evaluated: 2024-05-02. Review status: criteria provided, single submitter. Criteria: Ambry Variant Classification Scheme 2023. Collection method: clinical testing. Allele origin: germline.
Comment: The c.969_971delACC variant (also known as p.P324del) is located in coding exon 8 of the STK11 gene. This variant results from an in-frame ACC deletion at nucleotide positions 969 to 971. This results in the in-frame deletion of a proline at codon 324. This amino acid position is well conserved in available vertebrate species. In addition, the in silico prediction for this alteration is inconclusive (Choi Y et al. PLoS ONE. 2012; 7(10):e46688). Since supporting evidence is limited at this time, the clinical significance of this alteration remains unclear.

Baylor Genetics
Classification: Uncertain significance for Melanoma, cutaneous malignant, susceptibility to, 1. Last evaluated: 2023-09-15. Review status: criteria provided, single submitter. Criteria: ACMG Guidelines, 2015. Collection method: clinical testing. Allele origin: unknown.

Quest Diagnostics Nichols Institute San Juan Capistrano
Classification: Uncertain significance. Last evaluated: 2023-08-03. Review status: criteria provided, single submitter. Criteria: Quest Diagnostics criteria. Collection method: clinical testing. Allele origin: unknown.
Comment: This variant causes an in-frame loss of one amino acid in the STK11 protein. This variant has not been reported in the published literature. It also has not been reported in large, multi-ethnic general populations (Genome Aggregation Database). However it was observed in one individual in a population of healthy older women (FLOSSIES). Based on the available information, we are unable to determine the clinical significance of this variant.

Color Diagnostics, LLC DBA Color Health
Classification: Uncertain significance for Hereditary cancer-predisposing syndrome. Last evaluated: 2022-02-01. Review status: criteria provided, single submitter. Criteria: ACMG Guidelines, 2015. Collection method: clinical testing. Allele origin: germline.
Comment: This variant is a deletion of 3 nucleotides located in exon 8 of the STK11 gene, resulting in an in-frame deletion of one amino acid (proline) in the STK11 protein. To our knowledge, functional studies have not been reported for this variant. This variant has not been reported in individuals affected with hereditary cancer in the literature. This variant has not been identified in the general population by the Genome Aggregation Database (gnomAD). The available evidence is insufficient to determine the role of this variant in disease conclusively. Therefore, this variant is classified as a Variant of Uncertain Significance.

Genome-Nilou Lab
Classification: Uncertain significance for Peutz-Jeghers syndrome. Last evaluated: 2021-07-15. Review status: criteria provided, single submitter. Criteria: ACMG Guidelines, 2015. Collection method: clinical testing. Allele origin: germline. Affected: no.